The following is an entry in ClinVar:

ClinVar aggregate classification (germline): Pathogenic (1 of 4 stars; one submission).

Conditions:
Neurofibromatosis, type 1 (NF1). Also called: Peripheral type neurofibromatosis; NEUROFIBROMATOSIS, TYPE I, SOMATIC; Neurofibromatosis, type I; VON RECKLINGHAUSEN DISEASE. Identifiers: Orphanet 636, MedGen C0027831, MONDO:0018975, OMIM 162200. Disease mechanism: loss of function.

Submission:

Labcorp Genetics (formerly Invitae), Labcorp
Classification: Pathogenic for Neurofibromatosis, type 1. Last evaluated: 2025-07-31. Review status: criteria provided, single submitter. Criteria: Invitae Variant Classification Sherloc (09022015). Collection method: clinical testing. Allele origin: germline.
Comment: This sequence change creates a premature translational stop signal (p.Phe627Valfs*56) in the NF1 gene. It is expected to result in an absent or disrupted protein product. Loss-of-function variants in NF1 are known to be pathogenic (PMID: 10712197, 23913538). This variant is not present in population databases (gnomAD no frequency). This variant has not been reported in the literature in individuals affected with NF1-related conditions. ClinVar contains an entry for this variant (Variation ID: 2134367). For these reasons, this variant has been classified as Pathogenic.

Literature cited by the submitters: PubMed 10712197; PubMed 23913538.

NM_001042492.3(NF1):c.1879_1894del (p.Phe627fs)

Gene: NF1 (neurofibromin 1; plus strand). Cytogenetic location: 17q11.2.
Variant type: Deletion.
Coding change: c.1879_1894del on transcript NM_001042492.3 (MANE Select); coding-DNA positions 1879 to 1894, 16 bases deleted (TTTTACGGGGTAGGAT).
Protein change: p.Phe627fs; shifts the reading frame from phenylalanine 627.
Molecular consequence: frameshift variant.
Genome position (GRCh38, 1-based): chr17:31,225,128-31,225,143, TTTTACGGGGTAGGAT deleted; deleting any 16 consecutive bases within chr17:31,225,127-31,225,143 gives the same sequence; the c. name uses the placement nearest the transcript's 3' end. VCF-style (leftmost placement, unchanged base first): chr17-31225126-TTTTTTACGGGGTAGGA-T. GRCh37 (hg19) VCF-style: chr17-29552144-TTTTTTACGGGGTAGGA-T.
Other names: c.1879_1894del16, p.Phe627Valfs (NM_000267.4); short protein forms F627fs.
Identifiers: ClinVar variation 2134367 (VCV002134367.4), dbSNP rs2508140646, ClinGen allele CA2580092888.